The following is an entry in ClinVar:

ClinVar aggregate classification (germline): Likely benign (1 of 4 stars; one submission).

gnomAD v4.1: 5 of 1,613,820 alleles (0.00031%); highest among the groups gnomAD compares: Admixed American, 0.0067%; no homozygotes.

Submission:

CeGaT Center for Human Genetics Tuebingen
Classification: Likely benign. Last evaluated: 2025-02-01. Review status: criteria provided, single submitter. Criteria: CeGaT Center For Human Genetics Tuebingen Variant Classification Criteria Version 2. Collection method: clinical testing. Allele origin: germline. Affected: yes. Observed: 1 variant allele.
Comment: KMT2B: BP4, BP7

NM_014727.3(KMT2B):c.5964T>C (p.Ala1988=)

Gene: KMT2B (lysine methyltransferase 2B; plus strand). Cytogenetic location: 19q13.12.
Variant type: single nucleotide variant.
Coding change: c.5964T>C on transcript NM_014727.3 (MANE Select); coding-DNA position 5964, T replaced by C.
Protein change: p.Ala1988=; no amino-acid change (alanine 1988 retained).
Molecular consequence: synonymous variant.
Genome position (GRCh38, 1-based): chr19:35,732,513, T>C. VCF-style: chr19-35732513-T-C. GRCh37 (hg19) VCF-style: chr19-36223414-T-C.
Identifiers: ClinVar variation 3771695 (VCV003771695.13).